The following is an entry in ClinVar:

NM_007294.4(BRCA1):c.2920_2921del (p.Leu974fs)

Gene: BRCA1 (BRCA1 DNA repair associated; minus strand). Cytogenetic location: 17q21.31.
Variant type: Deletion.
Coding change: c.2920_2921del on transcript NM_007294.4 (MANE Select); coding-DNA positions 2920 to 2921, 2 bases deleted (TT; older notation c.2920_2921delTT).
Protein change: p.Leu974fs; shifts the reading frame from leucine 974.
Molecular consequence: frameshift variant. On other transcripts: intron variant (137).
Genome position (GRCh38, 1-based): chr17:43,092,610-43,092,611, AA deleted on the plus strand (TT on the coding strand, the reverse complement: BRCA1 is on the minus strand); deleting any 2 consecutive bases within chr17:43,092,610-43,092,613 gives the same sequence; the c. name uses the placement nearest the transcript's 3' end. VCF-style (leftmost placement, unchanged base first): chr17-43092609-TAA-T. GRCh37 (hg19) VCF-style: chr17-41244626-TAA-T.
Other names: 3039delTT; c.2920_2921delTT (NM_007294.3); c.788-1579_788-1578del (NM_001407981.1, NM_007298.4, NM_001407978.1 and 17 more transcripts); c.644-1579_644-1578del (NM_001408462.1, NM_001408470.1, NM_001408464.1 and 3 more transcripts); c.710-1579_710-1578del (NM_001408414.1, NM_001408411.1, NM_001408415.1 and 2 more transcripts); c.578-1579_578-1578del (NM_001408514.1, NM_001408485.1, NM_001408483.1 and 9 more transcripts); c.662-1579_662-1578del (NM_001408447.1, NM_001408433.1, NM_001408446.1 and 6 more transcripts); c.785-1579_785-1578del (NM_001408400.1, NM_001408392.1, NM_001407986.1 and 13 more transcripts); and 43 more; short protein forms L974fs, L927fs, L846fs, L907fs, L933fs, L947fs, L948fs, L971fs.
Identifiers: ClinVar variation 54718 (VCV000054718.5), dbSNP rs80357611, ClinGen allele CA001904.

ClinVar aggregate classification (germline): Pathogenic. Review status: reviewed by expert panel (3 of 4 stars). 3 submissions from 3 submitters: Pathogenic (1). 2 of the submissions do not count toward it. Last evaluated 2016-09-08.

Conditions:
Hereditary cancer-predisposing syndrome. Also called: Tumor predisposition; Neoplastic Syndromes, Hereditary; Hereditary Cancer Syndrome; Hereditary neoplastic syndrome. Identifiers: Orphanet 140162, MedGen C0027672, MeSH D009386, MONDO:0015356.
Breast-ovarian cancer, familial, susceptibility to, 1 (BROVCA1). Also called: OVARIAN CANCER, SUSCEPTIBILITY TO; BRCA1 Hereditary Breast and Ovarian Cancer. Identifiers: Orphanet 145, MedGen C2676676, MONDO:0011450, OMIM 604370. Disease mechanism: loss of function.

Submissions (3):

Evidence-based Network for the Interpretation of Germline Mutant Alleles (ENIGMA)
Classification: Pathogenic for Breast-ovarian cancer, familial, susceptibility to, 1. Last evaluated: 2016-09-08. Review status: reviewed by expert panel. Criteria: ENIGMA BRCA1/2 Classification Criteria (2015). Collection method: curation. Allele origin: germline.
Comment: Variant allele predicted to encode a truncated non-functional protein.

Ambry Genetics
Classification: Pathogenic for Hereditary cancer-predisposing syndrome. Last evaluated: 2025-04-23. Review status: criteria provided, single submitter. Criteria: Ambry Variant Classification Scheme 2023. Collection method: clinical testing. Allele origin: germline. Not counted in ClinVar's aggregate classification.
Comment: The c.2920_2921delTT pathogenic mutation, located in coding exon 9 of the BRCA1 gene, results from a deletion of two nucleotides at nucleotide positions 2920 to 2921, causing a translational frameshift with a predicted alternate stop codon (p.L974Tfs*17). This variant, also described as 3039delTT, was reported in individuals diagnosed with breast and/or ovarian cancer (Garvin AM et al. J Med Genet. 1997 Dec;34:990-5; Shao D et al. Cancer Sci. 2020 Feb;111:647-657). This variant is considered to be rare based on population cohorts in the Genome Aggregation Database (gnomAD). In addition to the clinical data presented in the literature, this alteration is expected to result in loss of function by premature protein truncation or nonsense-mediated mRNA decay. As such, this alteration is interpreted as a disease-causing mutation.

Breast Cancer Information Core (BIC) (BRCA1)
Classification: Pathogenic for Breast-ovarian cancer, familial 1. Last evaluated: 1997-04-11. Review status: no assertion criteria provided. Collection method: clinical testing. Allele origin: germline. Affected: yes. Observed: 1 variant allele. Not counted in ClinVar's aggregate classification.

Literature cited by the submitters: PubMed 31742824 (cited by Ambry Genetics); PubMed 9429140 (cited by Ambry Genetics).